The following is an entry in ClinVar:

ClinVar aggregate classification (germline): Uncertain significance (1 of 4 stars; one submission).

Submission:

GeneDx
Classification: Uncertain significance. Last evaluated: 2024-06-11. Review status: criteria provided, single submitter. Criteria: GeneDx Variant Classification Process June 2021. Collection method: clinical testing. Allele origin: germline. Affected: yes.
Comment: Not observed at significant frequency in large population cohorts (gnomAD); Missense variant in a gene in which most reported pathogenic variants are truncating/loss of function; Has not been previously published as pathogenic or benign to our knowledge

NM_001267550.2(TTN):c.79993T>G (p.Leu26665Val)

Genes: TTN (titin; minus strand), TTN-AS1 (TTN antisense RNA 1; plus strand). Cytogenetic location: 2q31.2.
Variant type: single nucleotide variant.
Coding change: c.79993T>G on transcript NM_001267550.2 (MANE Select); coding-DNA position 79993, T replaced by G.
Protein change: p.Leu26665Val; replaces leucine 26665 with valine.
Molecular consequence: missense variant.
Genome position (GRCh38, 1-based): chr2:178,566,139, A>C on the plus strand (T>G on the coding strand, the complement: TTN is on the minus strand). VCF-style: chr2-178566139-A-C. GRCh37 (hg19) VCF-style: chr2-179430866-A-C.
Other names: c.75070T>G, p.Leu25024Val (NM_001256850.1); c.52798T>G, p.Leu17600Val (NM_003319.4); c.72289T>G, p.Leu24097Val (NM_133378.4); c.53173T>G, p.Leu17725Val (NM_133432.3); c.53374T>G, p.Leu17792Val (NM_133437.4); short protein forms L17600V, L17725V, L17792V, L24097V, L25024V, L26665V.
Identifiers: ClinVar variation 3390824 (VCV003390824.1).
Genomic context (GRCh38, chr2:178,566,139, plus strand): 5'-CTGGAGTGTCAAGAACTTTCACAGTTACAAAAGCAGACTTTGATCCACTGCTGTTTTCCA[A>C]CTTAAGAATGTATTTTCCAGCATCATTTCTATCACAGTTATCTATTGATAGTTGGGTATA-3'
Protein context (NP_001254479.2, residues 26655-26675): RNDAGKYILK[Leu26665Val]ENSSGSKSAF